The following is an entry in ClinVar:

ClinVar aggregate classification (germline): Uncertain significance (1 of 4 stars; one submission).

Conditions:
Hereditary spastic paraplegia 11. Also called: Nakamura Osame syndrome; Autosomal recessive hereditary spastic paraplegia, mental impairment, and thin corpus callosum; Spastic Paraplegia 11; Spastic paraplegia, mental retardation and thin corpus callosum; SPASTIC PARAPLEGIA, AUTOSOMAL RECESSIVE, COMPLICATED, WITH THIN CORPUS CALLOSUM; SPASTIC PARAPLEGIA, AUTOSOMAL RECESSIVE, WITH MENTAL IMPAIRMENT AND THIN CORPUS CALLOSUM. Identifiers: Orphanet 2822, MedGen C1858479, MONDO:0011445, OMIM 604360.

Submission:

Labcorp Genetics (formerly Invitae), Labcorp
Classification: Uncertain significance for Hereditary spastic paraplegia 11. Last evaluated: 2019-11-26. Review status: criteria provided, single submitter. Criteria: Invitae Variant Classification Sherloc (09022015). Collection method: clinical testing. Allele origin: germline.
Comment: In summary, the available evidence is currently insufficient to determine the role of this variant in disease. Therefore, it has been classified as a Variant of Uncertain Significance. This variant has been observed in combination with another variant in an individual affected with hereditary spastic paraplegia (PMID: 2795747). This variant is an in-frame deletion of the genomic region encompassing exon 11 of the SPG11 gene. It preserves the integrity of the reading frame.

Literature cited by the submitters: PubMed 2795747.

NC_000015.10:g.(?_44626321)_(44626517_?)del

Gene: SPG11 (SPG11 vesicle trafficking associated, spatacsin; minus strand). Cytogenetic location: 15q21.1.
Variant type: Deletion.
Identifiers: ClinVar variation 831283 (VCV000831283.5).